The following is an entry in ClinVar:

NC_000002.11:g.(?_152484031)_(152500325_?)del

Gene: NEB (nebulin; minus strand). Cytogenetic location: 2q23.3.
Variant type: Deletion.
Identifiers: ClinVar variation 3247261 (VCV003247261.1).

ClinVar aggregate classification (germline): Pathogenic (1 of 4 stars; one submission).

Conditions:
Nemaline myopathy 2 (NEM2). Also called: Nemaline myopathy 2, autosomal recessive. Identifiers: MedGen C1850569, MONDO:0009725, OMIM 256030.

Submission:

Labcorp Genetics (formerly Invitae), Labcorp
Classification: Pathogenic for Nemaline myopathy 2. Last evaluated: 2023-10-01. Review status: criteria provided, single submitter. Criteria: Invitae Variant Classification Sherloc (09022015). Collection method: clinical testing. Allele origin: unknown.
Comment: This variant is a gross deletion of the genomic region encompassing exon(s) 58-69 of the NEB gene. This variant would be expected to be in-frame, preserving the integrity of the reading frame. This variant has not been reported in the literature in individuals affected with NEB-related conditions. This variant disrupts a region of the NEB protein in which other variant(s) (p.Tyr2794Phe) have been determined to be pathogenic (PMID: 25205138; Invitae). This suggests that this is a clinically significant region of the protein, and that variants that disrupt it are likely to be disease-causing. For these reasons, this variant has been classified as Pathogenic.

Literature cited by the submitters: PubMed 25205138.